The following is an entry in ClinVar:

ClinVar aggregate classification (germline): Benign/Likely benign. Review status: criteria provided, multiple submitters, no conflicts (2 of 4 stars). 8 submissions from 8 submitters: Benign (1); Likely benign (6). 1 of the submissions does not count toward it. Last evaluated 2026-07-16.

Conditions:
SMARCA4-related disorder. Also called: SMARCA4-related condition.
Hereditary cancer-predisposing syndrome. Also called: Hereditary Cancer Syndrome; Tumor predisposition; Hereditary neoplastic syndrome; Neoplastic Syndromes, Hereditary. Identifiers: Orphanet 140162, MedGen C0027672, MeSH D009386, MONDO:0015356.
Rhabdoid tumor predisposition syndrome 2 (RTPS2). Identifiers: Orphanet 231108, Orphanet 69077, MedGen C2750074, MONDO:0013224, OMIM 613325.

Allele frequency attached by ClinVar (database versions not stated): ExAC 0.00002; gnomAD 0.00001; TOPMed 0.00001; gnomAD exomes 0.00002.
gnomAD v4.1: 36 of 1,609,426 alleles (0.0022%); highest among the groups gnomAD compares: Non-Finnish European, 0.0025%; no homozygotes.

Submissions (8):

Myriad Genetics, Inc.
Classification: Benign for Rhabdoid tumor predisposition syndrome 2. Last evaluated: 2026-07-16. Review status: criteria provided, single submitter. Criteria: Myriad Autosomal Dominant, Autosomal Recessive and X-Linked Classification Criteria (2023). Collection method: clinical testing. Allele origin: unknown.
Comment: This variant is considered benign. This variant is a silent/synonymous amino acid change and it is not expected to impact splicing.

Labcorp Genetics (formerly Invitae), Labcorp
Classification: Likely benign for Rhabdoid tumor predisposition syndrome 2. Last evaluated: 2026-01-28. Review status: criteria provided, single submitter. Criteria: Invitae Variant Classification Sherloc (09022015). Collection method: clinical testing. Allele origin: germline.

Blueprint Genetics
Classification: Likely benign. Last evaluated: 2024-10-15. Review status: criteria provided, single submitter. Criteria: ACMG Guidelines, 2015. Collection method: clinical testing. Allele origin: germline.

CeGaT Center for Human Genetics Tuebingen
Classification: Likely benign. Last evaluated: 2024-06-01. Review status: criteria provided, single submitter. Criteria: CeGaT Center For Human Genetics Tuebingen Variant Classification Criteria Version 2. Collection method: clinical testing. Allele origin: germline. Affected: yes. Observed: 1 variant allele.
Comment: SMARCA4: BP4, BP7

Quest Diagnostics Nichols Institute San Juan Capistrano
Classification: Likely benign. Last evaluated: 2023-09-06. Review status: criteria provided, single submitter. Criteria: Quest Diagnostics criteria. Collection method: clinical testing. Allele origin: unknown.

GeneDx
Classification: Likely benign. Last evaluated: 2016-08-15. Review status: criteria provided, single submitter. Criteria: GeneDx Variant Classification (06012015). Collection method: clinical testing. Allele origin: germline. Affected: yes.
Comment: This variant is considered likely benign or benign based on one or more of the following criteria: it is a conservative change, it occurs at a poorly conserved position in the protein, it is predicted to be benign by multiple in silico algorithms, and/or has population frequency not consistent with disease.

Ambry Genetics
Classification: Likely benign for Hereditary cancer-predisposing syndrome. Last evaluated: 2016-01-06. Review status: criteria provided, single submitter. Criteria: Ambry Variant Classification Scheme 2023. Collection method: clinical testing. Allele origin: germline.

PreventionGenetics, part of Exact Sciences
Classification: Likely benign for SMARCA4-related condition. Last evaluated: 2021-12-23. Review status: no assertion criteria provided. Collection method: clinical testing. Allele origin: germline. Not counted in ClinVar's aggregate classification.
Comment: This variant is classified as likely benign based on ACMG/AMP sequence variant interpretation guidelines (Richards et al. 2015 PMID: 25741868, with internal and published modifications).

NM_003072.5(SMARCA4):c.4176C>T (p.Ile1392=)

Gene: SMARCA4 (SWI/SNF related BAF chromatin remodeling complex subunit ATPase 4; plus strand). Cytogenetic location: 19p13.2.
Variant type: single nucleotide variant.
Coding change: c.4176C>T on transcript NM_003072.5 (MANE Select); coding-DNA position 4176, C replaced by T.
Protein change: p.Ile1392=; no amino-acid change (isoleucine 1392 retained).
Molecular consequence: synonymous variant. On other transcripts: non-coding transcript variant (1).
Genome position (GRCh38, 1-based): chr19:11,041,312, C>T. VCF-style: chr19-11041312-C-T. GRCh37 (hg19) VCF-style: chr19-11151988-C-T.
Other names: c.4176C>T, p.Ile1392= (NM_001128844.3); c.4086C>T, p.Ile1362= (NM_001128845.2, NM_001128846.2); c.4077C>T, p.Ile1359= (NM_001128847.4, NM_001128848.2, NM_001374457.1); c.4272C>T, p.Ile1424= (NM_001128849.3, NM_001387283.1).
Identifiers: ClinVar variation 238459 (VCV000238459.37), dbSNP rs767494921, ClinGen allele CA9204670.